The following is an entry in ClinVar:

ClinVar aggregate classification (germline): Uncertain significance (1 of 4 stars; one submission).

Conditions:
Rubinstein-Taybi syndrome (RSTS). Identifiers: Orphanet 783, MedGen C0035934, MONDO:0019188.

Submission:

Labcorp Genetics (formerly Invitae), Labcorp
Classification: Uncertain significance for Rubinstein-Taybi syndrome. Last evaluated: 2024-10-21. Review status: criteria provided, single submitter. Criteria: Invitae Variant Classification Sherloc (09022015). Collection method: clinical testing. Allele origin: germline.
Comment: This sequence change falls in intron 20 of the CREBBP gene. It does not directly change the encoded amino acid sequence of the CREBBP protein. It affects a nucleotide within the consensus splice site. This variant is not present in population databases (gnomAD no frequency). This variant has not been reported in the literature in individuals affected with CREBBP-related conditions. Variants that disrupt the consensus splice site are a relatively common cause of aberrant splicing (PMID: 17576681, 9536098). Experimental studies and prediction algorithms are not available or were not evaluated, and the effect of this variant on mRNA splicing is currently unknown. In summary, the available evidence is currently insufficient to determine the role of this variant in disease. Therefore, it has been classified as a Variant of Uncertain Significance.

Literature cited by the submitters: PubMed 17576681; PubMed 9536098.

NM_004380.3(CREBBP):c.3780-2del

Gene: CREBBP (CREB binding lysine acetyltransferase; minus strand). Cytogenetic location: 16p13.3.
Variant type: Deletion.
Coding change: c.3780-2del on transcript NM_004380.3 (MANE Select); the canonical splice acceptor site of the intron before coding-DNA position 3780, one base deleted (A; older notation c.3780-2delA).
Molecular consequence: splice acceptor variant.
Genome position (GRCh38, 1-based): chr16:3,749,685, T deleted on the plus strand (A on the coding strand, the reverse complement: CREBBP is on the minus strand); the first of 2 consecutive T bases (chr16:3,749,685-3,749,686); deleting either gives the same sequence. VCF-style (leftmost placement, unchanged base first): chr16-3749684-CT-C. GRCh37 (hg19) VCF-style: chr16-3799685-CT-C.
Other names: c.3666-2del (NM_001079846.1).
Identifiers: ClinVar variation 3693535 (VCV003693535.2).